The following is an entry in ClinVar:

ClinVar aggregate classification (germline): Uncertain significance (1 of 4 stars; one submission).

Conditions:
Cardiovascular phenotype. Identifiers: MedGen CN230736.

Allele frequency attached by ClinVar (database versions not stated): gnomAD exomes below 0.00001.
gnomAD v4.1: 1 of 1,613,948 alleles (0.000062%); highest among the groups gnomAD compares: East Asian, 0.0022%; no homozygotes.

Submission:

Ambry Genetics
Classification: Uncertain significance for Cardiovascular phenotype. Last evaluated: 2023-12-11. Review status: criteria provided, single submitter. Criteria: Ambry Variant Classification Scheme 2023. Collection method: clinical testing. Allele origin: germline.
Comment: The p.C336R variant (also known as c.1006T>C), located in coding exon 9 of the EFEMP2 gene, results from a T to C substitution at nucleotide position 1006. The cysteine at codon 336 is replaced by arginine, an amino acid with highly dissimilar properties. This amino acid position is conserved. In addition, this alteration is predicted to be deleterious by in silico analysis. Since supporting evidence is limited at this time, the clinical significance of this alteration remains unclear.

NM_016938.5(EFEMP2):c.1006T>C (p.Cys336Arg)

Gene: EFEMP2 (EGF containing fibulin extracellular matrix protein 2; minus strand). Cytogenetic location: 11q13.1.
Variant type: single nucleotide variant.
Coding change: c.1006T>C on transcript NM_016938.5 (MANE Select); coding-DNA position 1006, T replaced by C.
Protein change: p.Cys336Arg; replaces cysteine 336 with arginine.
Molecular consequence: missense variant. On other transcripts: non-coding transcript variant (1).
Genome position (GRCh38, 1-based): chr11:65,868,025, A>G on the plus strand (T>C on the coding strand, the complement: EFEMP2 is on the minus strand). VCF-style: chr11-65868025-A-G. GRCh37 (hg19) VCF-style: chr11-65635496-A-G.
Other names: short protein forms C336R.
Identifiers: ClinVar variation 3226921 (VCV003226921.1), dbSNP rs1321274245, ClinGen allele CA381352299.